The following is an entry in ClinVar:

ClinVar aggregate classification (germline): Conflicting classifications of pathogenicity. Review status: criteria provided, conflicting classifications (1 of 4 stars). 2 submissions from 2 submitters: Uncertain significance (1); Likely benign (1). Last evaluated 2025-04-13.

Conditions:
Chédiak-Higashi syndrome (CHS). Also called: Chediak-Higashi Syndrome. Identifiers: Orphanet 167, MedGen C0007965, MONDO:0008963, OMIM 214500.
Inborn genetic diseases. Identifiers: MedGen C0950123, MeSH D030342.

Allele frequency attached by ClinVar (database versions not stated): ExAC 0.00001.

Submissions (2):

Ambry Genetics
Classification: Likely benign for Inborn genetic diseases. Last evaluated: 2025-04-13. Review status: criteria provided, single submitter. Criteria: Ambry Variant Classification Scheme 2023. Collection method: clinical testing. Allele origin: germline.

Labcorp Genetics (formerly Invitae), Labcorp
Classification: Uncertain significance for Chédiak-Higashi syndrome. Last evaluated: 2022-08-07. Review status: criteria provided, single submitter. Criteria: Invitae Variant Classification Sherloc (09022015). Collection method: clinical testing. Allele origin: germline.
Comment: This sequence change replaces methionine, which is neutral and non-polar, with valine, which is neutral and non-polar, at codon 1034 of the LYST protein (p.Met1034Val). This variant is present in population databases (rs758307405, gnomAD 0.006%). This variant has not been reported in the literature in individuals affected with LYST-related conditions. Algorithms developed to predict the effect of missense changes on protein structure and function output the following: SIFT: "Tolerated"; PolyPhen-2: "Benign"; Align-GVGD: "Class C0". The valine amino acid residue is found in multiple mammalian species, which suggests that this missense change does not adversely affect protein function. In summary, the available evidence is currently insufficient to determine the role of this variant in disease. Therefore, it has been classified as a Variant of Uncertain Significance.

NM_000081.4(LYST):c.3100A>G (p.Met1034Val)

Gene: LYST (lysosomal trafficking regulator; minus strand). Cytogenetic location: 1q42.3.
Variant type: single nucleotide variant.
Coding change: c.3100A>G on transcript NM_000081.4 (MANE Select); coding-DNA position 3100, A replaced by G.
Protein change: p.Met1034Val; replaces methionine 1034 with valine.
Molecular consequence: missense variant.
Genome position (GRCh38, 1-based): chr1:235,806,036, T>C on the plus strand (A>G on the coding strand, the complement: LYST is on the minus strand). VCF-style: chr1-235806036-T-C. GRCh37 (hg19) VCF-style: chr1-235969336-T-C.
Other names: c.3100A>G (NM_000081.2); c.3100A>G, p.Met1034Val (NM_001301365.1); short protein forms M1034V.
Identifiers: ClinVar variation 1944886 (VCV001944886.3), dbSNP rs758307405, ClinGen allele CA1467141.
Genomic context (GRCh38, chr1:235,806,036, plus strand): 5'-TACCTAGTTCTGATGGTATGGGGTCACTTTTTATAGCCAAAGATAATAAATCTTCCTTCA[T>C]AGTTCTCTTAGGTTGAGAAATTCTGTTTAAATCCTGGTTTTCATTTACACTTGTATCTCC-3'
Protein context (NP_000072.2, residues 1024-1044): LNRISQPKRT[Met1034Val]KEDLLSLAIK